The following is an entry in ClinVar:

ClinVar aggregate classification (germline): Uncertain significance. Review status: criteria provided, multiple submitters, no conflicts (2 of 4 stars). 3 submissions from 3 submitters: Uncertain significance (3). Last evaluated 2023-07-05.

Allele frequency attached by ClinVar (database versions not stated): ExAC 0.00001; gnomAD exomes 0.00001.
gnomAD v4.1: 8 of 1,613,176 alleles (0.0005%); highest among the groups gnomAD compares: Non-Finnish European, 0.00068%; no homozygotes.

Submissions (3):

GeneDx
Classification: Uncertain significance. Last evaluated: 2023-07-05. Review status: criteria provided, single submitter. Criteria: GeneDx Variant Classification Process June 2021. Collection method: clinical testing. Allele origin: germline. Affected: yes.
Comment: Not observed at significant frequency in large population cohorts (gnomAD); Missense variants in this gene are often considered pathogenic (HGMD); In silico analysis supports that this missense variant has a deleterious effect on protein structure/function; Has not been previously published as pathogenic or benign to our knowledge; This substitution is predicted to be within the C-terminal cytoplasmic domain

Blueprint Genetics
Classification: Uncertain significance. Last evaluated: 2022-01-27. Review status: criteria provided, single submitter. Criteria: ACMG Guidelines, 2015. Collection method: clinical testing. Allele origin: germline.

Genetic Services Laboratory, University of Chicago
Classification: Uncertain significance. Last evaluated: 2017-12-18. Review status: criteria provided, single submitter. Criteria: ACMG Guidelines, 2015. Collection method: clinical testing. Allele origin: germline. Affected: no.

NM_001040142.2(SCN2A):c.5960A>G (p.Glu1987Gly)

Gene: SCN2A (sodium voltage-gated channel alpha subunit 2; plus strand). Cytogenetic location: 2q24.3.
Variant type: single nucleotide variant.
Coding change: c.5960A>G on transcript NM_001040142.2 (MANE Select); coding-DNA position 5960, A replaced by G.
Protein change: p.Glu1987Gly; replaces glutamic acid 1987 with glycine.
Molecular consequence: missense variant.
Genome position (GRCh38, 1-based): chr2:165,389,766, A>G. VCF-style: chr2-165389766-A-G. GRCh37 (hg19) VCF-style: chr2-166246276-A-G.
Other names: c.5960A>G, p.Glu1987Gly (NM_001040143.2, NM_001371246.1, NM_001371247.1 and 1 more transcripts); short protein forms E1987G.
Identifiers: ClinVar variation 1336441 (VCV001336441.6), dbSNP rs757068860, ClinGen allele CA1940450.